The following is an entry in ClinVar:

NM_144670.6(A2ML1):c.1477-123C>T

Gene: A2ML1 (alpha-2-macroglobulin like 1; plus strand). Cytogenetic location: 12p13.31.
Variant type: single nucleotide variant.
Coding change: c.1477-123C>T on transcript NM_144670.6 (MANE Select); 123 bases into the intron before coding-DNA position 1477, C replaced by T.
Molecular consequence: intron variant.
Genome position (GRCh38, 1-based): chr12:8,845,319, C>T. VCF-style: chr12-8845319-C-T. GRCh37 (hg19) VCF-style: chr12-8997915-C-T.
Other names: c.4-123C>T (NM_001282424.3).
Identifiers: ClinVar variation 561575 (VCV000561575.2), dbSNP rs7301066, ClinGen allele CA6435689.

ClinVar aggregate classification (germline): Benign. Review status: criteria provided, multiple submitters, no conflicts (2 of 4 stars). 2 submissions from 2 submitters: Benign (2). Last evaluated 2018-06-19.

Allele frequency attached by ClinVar (database versions not stated): gnomAD exomes 0.01942; ExAC 0.05436; 1000 Genomes Project 0.06230; gnomAD 0.06230 and 0.06668; 1000 Genomes Project 30x 0.06699; TOPMed 0.07017.
gnomAD v4.1: 25,432 of 1,414,156 alleles (1.8%); highest among the groups gnomAD compares: African/African-American, 21%; 1,670 homozygotes.

Submissions (2):

GeneDx
Classification: Benign. Last evaluated: 2018-06-19. Review status: criteria provided, single submitter. Criteria: GeneDx Variant Classification (06012015). Collection method: clinical testing. Allele origin: germline. Affected: yes.
Comment: This variant is considered likely benign or benign based on one or more of the following criteria: it is a conservative change, it occurs at a poorly conserved position in the protein, it is predicted to be benign by multiple in silico algorithms, and/or has population frequency not consistent with disease.

Breakthrough Genomics
Classification: Benign. Review status: criteria provided, single submitter. Criteria: ACMG Guidelines, 2015. Collection method: not provided. Allele origin: germline. Inheritance: Autosomal dominant inheritance. Affected: yes.